The following is an entry in ClinVar:

NC_000009.12:g.130479718dup

Gene: ASS1 (argininosuccinate synthase 1; plus strand). Cytogenetic location: 9q34.11.
Variant type: Duplication.
Genome position: GRCh38 VCF-style: chr9-130479714-A-AG. GRCh37 (hg19) VCF-style: chr9-133355101-A-AG.
Identifiers: ClinVar variation 1071462 (VCV001071462.7), dbSNP rs2118839419, ClinGen allele CA2499219677.

ClinVar aggregate classification (germline): Pathogenic (1 of 4 stars; one submission).

Conditions:
Citrullinemia. Identifiers: Orphanet 187, MedGen C0175683, MONDO:0015991.

Submission:

Labcorp Genetics (formerly Invitae), Labcorp
Classification: Pathogenic for Citrullinemia. Last evaluated: 2020-05-12. Review status: criteria provided, single submitter. Criteria: Invitae Variant Classification Sherloc (09022015). Collection method: clinical testing. Allele origin: germline.
Comment: This sequence change creates a premature translational stop signal (p.Val231Glyfs*37) in the ASS1 gene. It is expected to result in an absent or disrupted protein product. This variant is not present in population databases (ExAC no frequency). This variant has not been reported in the literature in individuals with ASS1-related conditions. Loss-of-function variants in ASS1 are known to be pathogenic (PMID: 18473344, 19006241). For these reasons, this variant has been classified as Pathogenic.

Literature cited by the submitters: PubMed 18473344; PubMed 19006241.